The following is an entry in ClinVar:

ClinVar aggregate classification (germline): Conflicting classifications of pathogenicity. Review status: criteria provided, conflicting classifications (1 of 4 stars). 10 submissions from 10 submitters: Uncertain significance (3); Likely benign (4). 3 of the submissions do not count toward it. Last evaluated 2025-12-02.

Conditions:
HNF1B-related disorder. Also called: HNF1B-related condition; HNF1B-related disorders.
Maturity-onset diabetes of the young (MODY). Also called: Maturity onset diabetes mellitus in young. Identifiers: Orphanet 552, MedGen C0342276, MONDO:0018911, HP:0004904.
Renal cysts and diabetes syndrome (RCAD). Also called: Familial hypoplastic, glomerulocystic kidney; MATURITY-ONSET DIABETES OF THE YOUNG, TYPE 5. Identifiers: Orphanet 93111, MedGen C0431693, MONDO:0007669, OMIM 137920.

Allele frequency attached by ClinVar (database versions not stated): TOPMed 0.00006; gnomAD 0.00009; gnomAD exomes 0.00009; ExAC 0.00014.
gnomAD v4.1: 136 of 1,613,996 alleles (0.0084%); highest among the groups gnomAD compares: Non-Finnish European, 0.011%; no homozygotes.

Submissions (10):

Labcorp Genetics (formerly Invitae), Labcorp
Classification: Likely benign. Last evaluated: 2025-12-02. Review status: criteria provided, single submitter. Criteria: Invitae Variant Classification Sherloc (09022015). Collection method: clinical testing. Allele origin: germline.

Ambry Genetics
Classification: Likely benign for Maturity-onset diabetes of the young. Last evaluated: 2025-03-13. Review status: criteria provided, single submitter. Criteria: Ambry Variant Classification Scheme 2023. Collection method: clinical testing. Allele origin: germline.

Blueprint Genetics
Classification: Likely benign. Last evaluated: 2024-10-03. Review status: criteria provided, single submitter. Criteria: ACMG Guidelines, 2015. Collection method: clinical testing. Allele origin: germline.

GeneDx
Classification: Uncertain significance. Last evaluated: 2023-03-31. Review status: criteria provided, single submitter. Criteria: GeneDx Variant Classification Process June 2021. Collection method: clinical testing. Allele origin: germline. Affected: yes.
Comment: In silico analysis supports that this variant does not alter splicing; Has not been previously published as pathogenic or benign to our knowledge

Illumina Laboratory Services, Illumina
Classification: Likely benign for Renal cysts and diabetes syndrome. Last evaluated: 2018-01-13. Review status: criteria provided, single submitter. Criteria: ICSL Variant Classification Criteria 13 December 2019. Collection method: clinical testing. Allele origin: germline.
Comment: This variant was observed in the ICSL laboratory as part of a predisposition screen in an ostensibly healthy population. It had not been previously curated by ICSL or reported in the Human Gene Mutation Database (HGMD: prior to June 1st, 2018), and was therefore a candidate for classification through an automated scoring system. Utilizing variant allele frequency, disease prevalence and penetrance estimates, and inheritance mode, an automated score was calculated to assess if this variant is too frequent to cause the disease. Based on the score and internal cut-off values, a variant classified as likely benign is not then subjected to further curation. The score for this variant resulted in a classification of likely benign for this disease.

Eurofins Ntd Llc (ga)
Classification: Uncertain significance. Last evaluated: 2017-04-17. Review status: criteria provided, single submitter. Criteria: EGL Classification Definitions 2015. Collection method: clinical testing. Allele origin: germline. Observed: 1 variant allele, 1 heterozygote.

Clinical Genomics, Uppaluri K&H Personalized Medicine Clinic
Classification: Uncertain significance for Maturity-onset diabetes of the young. Review status: criteria provided, single submitter. Criteria: K & H Uppaluri Personalized Medicine Clinic Variant Classification & Assertion Criteria_Updated V.1. Collection method: research. Allele origin: unknown. Inheritance: Autosomal dominant inheritance.
Comment: HNF1B gene mutations are associated with early onset diabetes and pancreatic atrophy. It is also associated with multiple renal manifestations including renal cysts, Tubulointerstitial disease, glomerulocystic disease, renal hypoplasia, hypomagnesemia. However no sufficient evidence is found to ascertain the role of this particular variant rs751225159, yet.

PreventionGenetics, part of Exact Sciences
Classification: Likely benign for HNF1B-related condition. Last evaluated: 2021-03-29. Review status: no assertion criteria provided. Collection method: clinical testing. Allele origin: germline. Not counted in ClinVar's aggregate classification.
Comment: This variant is classified as likely benign based on ACMG/AMP sequence variant interpretation guidelines (Richards et al. 2015 PMID: 25741868, with internal and published modifications).

Clinical Genetics DNA and cytogenetics Diagnostics Lab, Erasmus MC, Erasmus Medical Center
Classification: Likely benign. Review status: no assertion criteria provided. Collection method: clinical testing. Allele origin: germline. Affected: yes. Study: VKGL Data-share Consensus. Not counted in ClinVar's aggregate classification.

Genome Diagnostics Laboratory, University Medical Center Utrecht
Classification: Likely benign. Review status: no assertion criteria provided. Collection method: clinical testing. Allele origin: germline. Affected: yes. Study: VKGL Data-share Consensus. Not counted in ClinVar's aggregate classification.

Literature cited by the submitters: PubMed 24897035 (cited by Clinical Genomics, Uppaluri K&H Personalized Medicine Clinic); PubMed 25536396 (cited by Clinical Genomics, Uppaluri K&H Personalized Medicine Clinic); PubMed 27615128 (cited by Clinical Genomics, Uppaluri K&H Personalized Medicine Clinic); PubMed 28215227 (cited by Clinical Genomics, Uppaluri K&H Personalized Medicine Clinic); PubMed 33434175 (cited by Clinical Genomics, Uppaluri K&H Personalized Medicine Clinic); PubMed 25741167 (cited by Clinical Genomics, Uppaluri K&H Personalized Medicine Clinic); PubMed 26340261 (cited by Clinical Genomics, Uppaluri K&H Personalized Medicine Clinic); PubMed 19639018 (cited by Clinical Genomics, Uppaluri K&H Personalized Medicine Clinic).

NM_000458.4(HNF1B):c.1578C>G (p.Ser526=)

Gene: HNF1B (HNF1 homeobox B; minus strand). Cytogenetic location: 17q12.
Variant type: single nucleotide variant.
Coding change: c.1578C>G on transcript NM_000458.4 (MANE Select); coding-DNA position 1578, C replaced by G.
Protein change: p.Ser526=; no amino-acid change (serine 526 retained).
Molecular consequence: synonymous variant. On other transcripts: intron variant (1).
Genome position (GRCh38, 1-based): chr17:37,699,151, G>C on the plus strand (C>G on the coding strand, the complement: HNF1B is on the minus strand). VCF-style: chr17-37699151-G-C. GRCh37 (hg19) VCF-style: chr17-36059157-G-C.
Other names: c.1500C>G, p.Ser500= (NM_001165923.4); c.1261+5766C>G (NM_001304286.2); c.1578C>G (NM_000458.3).
Identifiers: ClinVar variation 501505 (VCV000501505.19), dbSNP rs751225159, ClinGen allele CA8518794.
Genomic context (GRCh38, chr17:37,699,151, plus strand): 5'-CATGTTGGTGAGTGTACTGATGCTGCTGGTATCTGTGACCACCATTGCAGATGGAAACCG[G>C]GAGGTGTGGGAATACTGGGGGGGTTCCTGCTTGTGTGCGTACACTGGAGAGACAGAGTGA-3'
Protein context (NP_000449.1, residues 516-536): KQEPPQYSHT[Ser526=]RFPSAMVVTD